The following is an entry in ClinVar:

ClinVar aggregate classification (germline): Uncertain significance (1 of 4 stars; one submission).

Conditions:
KAT2B-related disorder. Also called: KAT2B-related condition.

Submission:

PreventionGenetics, part of Exact Sciences
Classification: Uncertain significance for KAT2B-related condition. Last evaluated: 2026-09-08. Review status: criteria provided, single submitter. Criteria: ACMG Guidelines, 2015. Collection method: clinical testing. Allele origin: germline.
Comment: The KAT2B c.1368G>T variant is predicted to result in the amino acid substitution p.Glu456Asp. To our knowledge, this variant has not been reported in the literature or in a large population database (gnomAD), indicating this variant is rare. At this time, the clinical significance of this variant is uncertain due to the absence of conclusive functional and genetic evidence.

NM_003884.5(KAT2B):c.1368G>T (p.Glu456Asp)

Gene: KAT2B (lysine acetyltransferase 2B; plus strand). Cytogenetic location: 3p24.3.
Variant type: single nucleotide variant.
Coding change: c.1368G>T on transcript NM_003884.5 (MANE Select); coding-DNA position 1368, G replaced by T.
Protein change: p.Glu456Asp; replaces glutamic acid 456 with aspartic acid.
Molecular consequence: missense variant.
Genome position (GRCh38, 1-based): chr3:20,122,759, G>T. VCF-style: chr3-20122759-G-T. GRCh37 (hg19) VCF-style: chr3-20164251-G-T.
Other names: short protein forms E456D.
Identifiers: ClinVar variation 4991753 (VCV004991753.1).